The following is an entry in ClinVar:

NM_017934.7(PHIP):c.3725G>C (p.Gly1242Ala)

Genes: IRAK1BP1 (interleukin 1 receptor associated kinase 1 binding protein 1; plus strand), PHIP (PHIP subunit of CUL4-Ring ligase complex; minus strand). Cytogenetic location: 6q14.1.
Variant type: single nucleotide variant.
Coding change: c.3725G>C on transcript NM_017934.7 (MANE Select); coding-DNA position 3725, G replaced by C.
Protein change: p.Gly1242Ala; replaces glycine 1242 with alanine.
Molecular consequence: missense variant.
Genome position (GRCh38, 1-based): chr6:78,958,532, C>G on the plus strand (G>C on the coding strand, the complement: PHIP is on the minus strand). VCF-style: chr6-78958532-C-G. GRCh37 (hg19) VCF-style: chr6-79668249-C-G.
Other names: c.3725G>C (NM_017934.6); short protein forms G1242A.
Identifiers: ClinVar variation 2815609 (VCV002815609.4), dbSNP rs1766572256, ClinGen allele CA364644849.

ClinVar aggregate classification (germline): Uncertain significance. Review status: criteria provided, single submitter (1 of 4 stars). 2 submissions from 2 submitters: Uncertain significance (1). 1 of the submissions does not count toward it. Last evaluated 2024-01-03.

Conditions:
PHIP-related disorder. Also called: PHIP-related condition; PHIP-related disorders.

Allele frequency attached by ClinVar (database versions not stated): gnomAD exomes below 0.00001.
gnomAD v4.1: 1 of 1,573,666 alleles (0.000064%); highest among the groups gnomAD compares: Non-Finnish European, 0.000087%; no homozygotes.

Submissions (2):

Labcorp Genetics (formerly Invitae), Labcorp
Classification: Uncertain significance. Last evaluated: 2024-01-03. Review status: criteria provided, single submitter. Criteria: Invitae Variant Classification Sherloc (09022015). Collection method: clinical testing. Allele origin: germline.
Comment: This sequence change replaces glycine, which is neutral and non-polar, with alanine, which is neutral and non-polar, at codon 1242 of the PHIP protein (p.Gly1242Ala). This variant is not present in population databases (gnomAD no frequency). This variant has not been reported in the literature in individuals affected with PHIP-related conditions. Advanced modeling of protein sequence and biophysical properties (such as structural, functional, and spatial information, amino acid conservation, physicochemical variation, residue mobility, and thermodynamic stability) performed at Invitae indicates that this missense variant is not expected to disrupt PHIP protein function with a negative predictive value of 80%. In summary, the available evidence is currently insufficient to determine the role of this variant in disease. Therefore, it has been classified as a Variant of Uncertain Significance.

PreventionGenetics, part of Exact Sciences
Classification: Uncertain significance for PHIP-related condition. Last evaluated: 2024-07-15. Review status: no assertion criteria provided. Collection method: clinical testing. Allele origin: germline. Not counted in ClinVar's aggregate classification.
Comment: The PHIP c.3725G>C variant is predicted to result in the amino acid substitution p.Gly1242Ala. To our knowledge, this variant has not been reported in the literature or in a large population database, indicating this variant is rare. At this time, the clinical significance of this variant is uncertain due to the absence of conclusive functional and genetic evidence.